The following is an entry in ClinVar:

ClinVar aggregate classification (germline): Uncertain significance. Review status: criteria provided, multiple submitters, no conflicts (2 of 4 stars). 2 submissions from 2 submitters: Uncertain significance (2). Last evaluated 2026-03-15.

Conditions:
Hypertrophic cardiomyopathy. Also called: HYPERTROPHIC MYOCARDIOPATHY. Identifiers: Orphanet 217569, MedGen C0007194, MeSH D002312, MONDO:0005045, HP:0001639.

Allele frequency attached by ClinVar (database versions not stated): TOPMed 0.00001; gnomAD exomes 0.00001; ExAC 0.00001.
gnomAD v4.1: 13 of 1,613,164 alleles (0.00081%); highest among the groups gnomAD compares: East Asian, 0.0022%; no homozygotes.

Submissions (2):

Ambry Genetics
Classification: Uncertain significance. Last evaluated: 2026-03-15. Review status: criteria provided, single submitter. Criteria: Ambry Variant Classification Scheme 2023. Collection method: clinical testing. Allele origin: germline.
Comment: The p.R402Q variant (also known as c.1205G>A), located in coding exon 8 of the MYOM1 gene, results from a G to A substitution at nucleotide position 1205. The arginine at codon 402 is replaced by glutamine, an amino acid with highly similar properties. This amino acid position is conserved. In addition, this alteration is predicted to be tolerated by in silico analysis. Based on the available evidence, the clinical significance of this variant remains unclear.

Labcorp Genetics (formerly Invitae), Labcorp
Classification: Uncertain significance for Hypertrophic cardiomyopathy. Last evaluated: 2024-05-13. Review status: criteria provided, single submitter. Criteria: Invitae Variant Classification Sherloc (09022015). Collection method: clinical testing. Allele origin: germline.
Comment: This sequence change replaces arginine, which is basic and polar, with glutamine, which is neutral and polar, at codon 402 of the MYOM1 protein (p.Arg402Gln). This variant is present in population databases (rs755208926, gnomAD 0.004%). This variant has not been reported in the literature in individuals affected with MYOM1-related conditions. ClinVar contains an entry for this variant (Variation ID: 1018091). An algorithm developed to predict the effect of missense changes on protein structure and function (PolyPhen-2) suggests that this variant is likely to be tolerated. In summary, the available evidence is currently insufficient to determine the role of this variant in disease. Therefore, it has been classified as a Variant of Uncertain Significance.

NM_003803.4(MYOM1):c.1205G>A (p.Arg402Gln)

Gene: MYOM1 (myomesin 1; minus strand). Cytogenetic location: 18p11.31.
Variant type: single nucleotide variant.
Coding change: c.1205G>A on transcript NM_003803.4 (MANE Select); coding-DNA position 1205, G replaced by A.
Protein change: p.Arg402Gln; replaces arginine 402 with glutamine.
Molecular consequence: missense variant.
Genome position (GRCh38, 1-based): chr18:3,168,951, C>T on the plus strand (G>A on the coding strand, the complement: MYOM1 is on the minus strand). VCF-style: chr18-3168951-C-T. GRCh37 (hg19) VCF-style: chr18-3168949-C-T.
Other names: c.1205G>A (NM_003803.3); c.1205G>A, p.Arg402Gln (NM_019856.2); short protein forms R402Q.
Identifiers: ClinVar variation 1018091 (VCV001018091.9), dbSNP rs755208926, ClinGen allele CA8875006.
Genomic context (GRCh38, chr18:3,168,951, plus strand): 5'-ATTGTCTCTCCCTCTCTCCCAAAAGACACATCAAATTTGTCATCAAAGTGGATCTCAAAC[C>T]GGGATGCATAACCATATGGGGTCACACCAACTGGGTACAAAAATAACAAATATCAGTAAT-3'
Protein context (NP_003794.3, residues 392-412): FGVTPYGYAS[Arg402Gln]FEIHFDDKFD